The following is an entry in ClinVar:

NM_002855.5(NECTIN1):c.1003+557G>T

Gene: NECTIN1 (nectin cell adhesion molecule 1; minus strand). Cytogenetic location: 11q23.3.
Variant type: single nucleotide variant.
Coding change: c.1003+557G>T on transcript NM_002855.5 (MANE Select); 557 bases into the intron after coding-DNA position 1003, G replaced by T.
Molecular consequence: intron variant. On other transcripts: missense variant (1).
Genome position (GRCh38, 1-based): chr11:119,674,602, C>A on the plus strand (G>T on the coding strand, the complement: NECTIN1 is on the minus strand). VCF-style: chr11-119674602-C-A. GRCh37 (hg19) VCF-style: chr11-119545312-C-A.
Other names: c.1049G>T, p.Arg350Met (NM_203286.2); c.1003+557G>T (NM_203285.2); short protein forms R350M.
Identifiers: ClinVar variation 3037481 (VCV003037481.2), dbSNP rs78586273, ClinGen allele CA6321913.

ClinVar aggregate classification (germline): Benign (0 of 4 stars; one submission).

Conditions:
NECTIN1-related disorder. Also called: NECTIN1-related condition.

Allele frequency attached by ClinVar (database versions not stated): gnomAD exomes 0.00221; ExAC 0.00696; gnomAD 0.02304; ESP Exome Variant Server 0.02433; TOPMed 0.02563; 1000 Genomes Project 0.02915; 1000 Genomes Project 30x 0.03170.
gnomAD v4.1: 6,897 of 1,614,222 alleles (0.43%); highest among the groups gnomAD compares: African/African-American, 7.9%; 226 homozygotes.

Submission:

PreventionGenetics, part of Exact Sciences
Classification: Benign for NECTIN1-related condition. Last evaluated: 2019-10-31. Review status: no assertion criteria provided. Collection method: clinical testing. Allele origin: germline.
Comment: This variant is classified as benign based on ACMG/AMP sequence variant interpretation guidelines (Richards et al. 2015 PMID: 25741868, with internal and published modifications).